The following is an entry in ClinVar:

ClinVar aggregate classification (germline): Pathogenic. Review status: criteria provided, multiple submitters, no conflicts (2 of 4 stars). 4 submissions from 4 submitters: Pathogenic (4). Last evaluated 2024-12-03.
ClinVar aggregate classification (oncogenicity): Oncogenic (1 of 4 stars; one submission).

Conditions:
Hereditary cancer-predisposing syndrome. Also called: Hereditary Cancer Syndrome; Hereditary neoplastic syndrome; Tumor predisposition; Neoplastic Syndromes, Hereditary. Identifiers: Orphanet 140162, MedGen C0027672, MeSH D009386, MONDO:0015356.
Retinoblastoma (RB1). Also called: RETINOBLASTOMA, SOMATIC. Identifiers: Orphanet 790, MedGen C0035335, MeSH D012175, MONDO:0008380, OMIM 180200, HP:0009919. Disease mechanism: loss of function. Inheritance: Both sporadic and heritable forms are tested..
Neoplasm. Also called: tumor; Neoplasms; Neoplasm (disease). Identifiers: MedGen C0027651, MeSH D009369, MONDO:0005070, HP:0002664.

Submissions (5):

Center for Genomic Medicine, Rigshospitalet, Copenhagen University Hospital
Classification: Oncogenic for Neoplasm. Last evaluated: 2025-03-04. Review status: criteria provided, single submitter. Criteria: ClinGen/CGC/VICC Guidelines for Oncogenicity, 2022. Collection method: clinical testing. Allele origin: somatic. Affected: yes.

Ambry Genetics
Classification: Pathogenic for Hereditary cancer-predisposing syndrome. Last evaluated: 2024-12-03. Review status: criteria provided, single submitter. Criteria: Ambry Variant Classification Scheme 2023. Collection method: clinical testing. Allele origin: germline.
Comment: The c.2520+1G>A intronic pathogenic mutation results from a G to A substitution one nucleotide(s) after coding exon 24 of the RB1 gene. This variant has been reported in individual(s) with features consistent with RB1-related hereditary retinoblastoma (Rodr&iacute;guez-Mart&iacute;n C et al. J Hum Genet, 2020 Jan;65:165-174; Richter S et al. Am J Hum Genet, 2003 Feb;72:253-69; Tsai T et al. Arch Ophthalmol, 2004 Feb;122:239-48; Houdayer C et al. Hum Mutat, 2004 Feb;23:193-202; Ambry internal data). In multiple assays testing RB1 function, this variant showed functionally abnormal results (G&aacute;mez-Pozo A et al. Hum Mutat, 2007 Dec;28:1245; Johnson BE et al. Science, 2014 Jan;343:189-193; Houdayer C et al. Hum Mutat, 2008 Jul;29:975-82). Of note, this variant is also referred to as c.2658+1G>A and g.170403G>A in the literature. This variant is considered to be rare based on population cohorts in the Genome Aggregation Database (gnomAD). This nucleotide position is highly conserved in available vertebrate species. In silico splice site analysis predicts that this alteration will weaken the native splice donor site. Alterations that disrupt the canonical splice site are expected to cause aberrant splicing, resulting in an abnormal protein or a transcript that is subject to nonsense-mediated mRNA decay. As such, this alteration is classified as a disease-causing mutation.

Genetic Diagnostic Laboratory, University of Pennsylvania School of Medicine
Classification: Pathogenic for Retinoblastoma. Last evaluated: 2024-05-20. Review status: criteria provided, single submitter. Criteria: ACMG Guidelines, 2015. Collection method: clinical testing. Allele origin: germline. Affected: yes. Observed: 3 variant alleles.
Comment: Case and Pedigree Information: BILATERAL CASES:3, UNILATERAL CASES:0, TOTAL CASES:3, PEDIGREES:3. ACMG Codes Applied:PVS1, PM2, PS4SUP

Labcorp Genetics (formerly Invitae), Labcorp
Classification: Pathogenic for Retinoblastoma. Last evaluated: 2019-10-13. Review status: criteria provided, single submitter. Criteria: Invitae Variant Classification Sherloc (09022015). Collection method: clinical testing. Allele origin: germline.
Comment: For these reasons, this variant has been classified as Pathogenic. Donor and acceptor splice site variants typically lead to a loss of protein function (PMID: 16199547), and loss-of-function variants in RB1 are known to be pathogenic (PMID: 17096365). Experimental studies have shown that this variant disrupts mRNA splicing (PMID: 18000883). Disruption of this splice site has been observed in several individuals affected with retinoblastoma (PMID: 12541220, 18000883, 28193182, 16595082). This variant is also described as c.2658+1G>A and g.170403G>A in the literature. ClinVar contains an entry for this variant (Variation ID: 126805). This variant is not present in population databases (ExAC no frequency). This sequence change affects a donor splice site in intron 24 of the RB1 gene. It is expected to disrupt RNA splicing and likely results in an absent or disrupted protein product.

Laboratory for Molecular Medicine, Mass General Brigham Personalized Medicine
Classification: Pathogenic for Retinoblastoma. Last evaluated: 2018-04-27. Review status: criteria provided, single submitter. Criteria: LMM Criteria. Collection method: clinical testing. Allele origin: germline. Inheritance: Autosomal dominant inheritance. Observed: 1 variant allele.
Comment: The c.2520+1G>A variant in RB1 has been reported in at least 2 individuals with retinoblastoma (Richter 2003, Houdayer 2008) and was absent from large populatio n studies. This variant occurs in the invariant region (+/- 1,2) of the splice c onsensus sequence and is predicted to cause altered splicing leading to an abnor mal or absent protein. However, this information is not predictive enough to det ermine pathogenicity. Functional analysis using patient cell lines demonstrated that the c.2520+1G>A variant results in skipping of exon 24 (Houdayer 2008, John son 2014). This results in a frameshift, which is predicted to lead to loss of function via nonsense mediated decay (NMD). Loss of function is an established mechanism of disease for the RB1 gene. In summary, this variant meets criteria to be classified as pathogenic for retinoblastoma in an autosomal dominant manne r. ACMG criteria applied: PVS1, PM2, PS4_Supporting.

Literature cited by the submitters: PubMed 14722923 (cited by 3 submitters); PubMed 12541220 (cited by 3 submitters); PubMed 14769601 (cited by Ambry Genetics); PubMed 18000883 (cited by Ambry Genetics and Labcorp Genetics (formerly Invitae), Labcorp); PubMed 18449911 (cited by Ambry Genetics and Laboratory for Molecular Medicine, Mass General Brigham Personalized Medicine); PubMed 24336570 (cited by Ambry Genetics and Laboratory for Molecular Medicine, Mass General Brigham Personalized Medicine); PubMed 31772335 (cited by Ambry Genetics); PubMed 16199547 (cited by Labcorp Genetics (formerly Invitae), Labcorp); PubMed 17096365 (cited by Labcorp Genetics (formerly Invitae), Labcorp); PubMed 28193182 (cited by Labcorp Genetics (formerly Invitae), Labcorp); PubMed 16595082 (cited by Labcorp Genetics (formerly Invitae), Labcorp); PubMed 19339519 (cited by Laboratory for Molecular Medicine, Mass General Brigham Personalized Medicine).

NM_000321.3(RB1):c.2520+1G>A

Gene: RB1 (RB transcriptional corepressor 1; plus strand). Cytogenetic location: 13q14.2.
Variant type: single nucleotide variant.
Coding change: c.2520+1G>A on transcript NM_000321.3 (MANE Select); the canonical splice donor site of the intron after coding-DNA position 2520, G replaced by A.
Molecular consequence: splice donor variant.
Genome position (GRCh38, 1-based): chr13:48,473,391, G>A. VCF-style: chr13-48473391-G-A. GRCh37 (hg19) VCF-style: chr13-49047527-G-A.
Other names: L11910:g.170403G>A; c.2520+1G>A (NM_001407165.1).
Identifiers: ClinVar variation 126805 (VCV000126805.17), dbSNP rs587778850, ClinGen allele CA026443.
Genomic context (GRCh38, chr13:48,473,391, plus strand): 5'-CTAATTGGTATTTCATCTTAACTTGACAGAATCTTAGTATCAATTGGTGAATCATTCGGG[G>A]TGAGTATTTTCTTTCTATGAAATATAATAGTATGCATTGTAAGTATAAAAGAAATTAAAG-3'